The following is an entry in ClinVar:

ClinVar aggregate classification (germline): Likely benign. Review status: criteria provided, multiple submitters, no conflicts (2 of 4 stars). 2 submissions from 2 submitters: Likely benign (2). Last evaluated 2026-06-16.

Conditions:
F5-related disorder. Also called: F5-related condition.
Congenital factor V deficiency. Also called: Hereditary factor V deficiency disease; LABILE FACTOR DEFICIENCY; OWREN PARAHEMOPHILIA; PARAHEMOPHILIA. Identifiers: Orphanet 326, MedGen C0015499, MONDO:0009210, OMIM 227400.

Allele frequency attached by ClinVar (database versions not stated): ExAC 0.00007; gnomAD 0.00015; TOPMed 0.00019; ESP Exome Variant Server 0.00031; 1000 Genomes Project 0.00040; 1000 Genomes Project 30x 0.00047; gnomAD exomes 0.00001 and 0.00004.
gnomAD v4.1: 32 of 1,613,362 alleles (0.002%); highest among the groups gnomAD compares: African/African-American, 0.039%; no homozygotes.

Submissions (2):

PreventionGenetics, part of Exact Sciences
Classification: Likely benign for F5-related condition. Last evaluated: 2026-06-16. Review status: criteria provided, single submitter. Criteria: ACMG Guidelines, 2015. Collection method: clinical testing. Allele origin: germline.
Comment: This variant is classified as likely benign based on ACMG/AMP sequence variant interpretation guidelines (Richards et al. 2015 PMID: 25741868, with internal and published modifications).

Labcorp Genetics (formerly Invitae), Labcorp
Classification: Likely benign for Congenital factor V deficiency. Last evaluated: 2025-06-18. Review status: criteria provided, single submitter. Criteria: Invitae Variant Classification Sherloc (09022015). Collection method: clinical testing. Allele origin: germline.

NM_000130.5(F5):c.6600T>C (p.Phe2200=)

Gene: F5 (coagulation factor V; minus strand). Cytogenetic location: 1q24.2.
Variant type: single nucleotide variant.
Coding change: c.6600T>C on transcript NM_000130.5 (MANE Select); coding-DNA position 6600, T replaced by C.
Protein change: p.Phe2200=; no amino-acid change (phenylalanine 2200 retained).
Molecular consequence: synonymous variant.
Genome position (GRCh38, 1-based): chr1:169,514,388, A>G on the plus strand (T>C on the coding strand, the complement: F5 is on the minus strand). VCF-style: chr1-169514388-A-G. GRCh37 (hg19) VCF-style: chr1-169483626-A-G.
Identifiers: ClinVar variation 734407 (VCV000734407.7), dbSNP rs142201768, ClinGen allele CA1233197.